The following is an entry in ClinVar:

NM_001267550.2(TTN):c.43051T>G (p.Trp14351Gly)

Gene: TTN (titin; minus strand). Cytogenetic location: 2q31.2.
Variant type: single nucleotide variant.
Coding change: c.43051T>G on transcript NM_001267550.2 (MANE Select); coding-DNA position 43051, T replaced by G.
Protein change: p.Trp14351Gly; replaces tryptophan 14351 with glycine.
Molecular consequence: missense variant.
Genome position (GRCh38, 1-based): chr2:178,633,222, A>C on the plus strand (T>G on the coding strand, the complement: TTN is on the minus strand). VCF-style: chr2-178633222-A-C. GRCh37 (hg19) VCF-style: chr2-179497949-A-C.
Other names: p.W12710G:TGG>GGG; c.38128T>G, p.Trp12710Gly (NM_001256850.1); c.15856T>G, p.Trp5286Gly (NM_003319.4); c.35347T>G, p.Trp11783Gly (NM_133378.4); c.16231T>G, p.Trp5411Gly (NM_133432.3); c.16432T>G, p.Trp5478Gly (NM_133437.4); short protein forms W12710G, W14351G, W5411G, W5478G, W5286G, W11783G.
Identifiers: ClinVar variation 202629 (VCV000202629.2), dbSNP rs794729430, ClinGen allele CA309805.

ClinVar aggregate classification (germline): Uncertain significance (1 of 4 stars; one submission).

gnomAD v4.1: 1 of 1,613,090 alleles (0.000062%); highest among the groups gnomAD compares: Non-Finnish European, 0.000085%; no homozygotes.

Submission:

GeneDx
Classification: Uncertain significance. Last evaluated: 2014-03-18. Review status: criteria provided, single submitter. Criteria: GeneDx Variant Classification (06012015). Collection method: clinical testing. Allele origin: germline. Affected: yes.
Comment: Missense variants in the TTN gene are considered 'unclassified' if they are not previously reported in the literature and do not have >1% frequency in the population to be considered a polymorphism. Research indicates that truncating mutations in the TTN gene are expected to account for approximately 25% of familial and 18% of sporadic idiopathic DCM; however, truncating variants in the TTN gene have been reported in approximately 3% of reported control alleles. There has been little investigation into non-truncating variants. (Herman D et al. Truncations of titin causing dilated cardiomyopathy. N Eng J Med 366:619-628, 2012) The variant is found in DCM,DCM-CRDM,CARDIOMYOPATHY panel(s).